The following is an entry in ClinVar:

ClinVar aggregate classification (germline): Uncertain significance (1 of 4 stars; one submission).

Conditions:
Neurodevelopmental disorder. Identifiers: MedGen C1535926, MeSH D065886, MONDO:0700092.

Submission:

Victorian Clinical Genetics Services, Murdoch Childrens Research Institute
Classification: Uncertain significance for Neurodevelopmental disorder. Last evaluated: 2022-02-02. Review status: criteria provided, single submitter. Criteria: ACMG Guidelines, 2015. Collection method: clinical testing. Allele origin: germline. Inheritance: Autosomal dominant inheritance.
Comment: Based on the classification scheme VCGS_Germline_v1.3.4, this variant is classified as VUS-3C. Following criteria are met: 0102 - Loss of function is a known mechanism of disease in this gene and is associated with NCKAP1-related neurodevelopmental disorder (PMID:33157009). (I) 0107 - This gene is associated with autosomal dominant disease. (I) 0200 - Variant is predicted to result in a missense amino acid change from glutamine to arginine. (I) 0251 - This variant is heterozygous. (I) 0301 - Variant is absent from gnomAD (both v2 and v3). (SP) 0309 - An alternative amino acid change at the same position has been observed in gnomAD (v3) (2 heterozygotes, 0 homozygotes). (I) 0503 - Missense variant consistently predicted to be tolerated by multiple in silico tools or not conserved in placental mammals with a minor amino acid change. (SB) 0600 - Variant is located in the annotated membrane-associated apoptosis protein (NCBI). (I) 0705 - No comparable missense variants have previous evidence for pathogenicity. (I) 0807 - This variant has no previous evidence of pathogenicity. (I) 0905 - No published segregation evidence has been identified for this variant. (I) 1007 - No published functional evidence has been identified for this variant. (I) 1208 - Inheritance information for this variant is not currently available in this individual. (I) Legend: (SP) - Supporting pathogenic, (I) - Information, (SB) - Supporting benign

Literature cited by the submitters: PubMed 33157009.

NM_013436.5(NCKAP1):c.2273A>G (p.Gln758Arg)

Gene: NCKAP1 (NCK associated protein 1; minus strand). Cytogenetic location: 2q32.1.
Variant type: single nucleotide variant.
Coding change: c.2273A>G on transcript NM_013436.5 (MANE Select); coding-DNA position 2273, A replaced by G.
Protein change: p.Gln758Arg; replaces glutamine 758 with arginine.
Molecular consequence: missense variant.
Genome position (GRCh38, 1-based): chr2:182,953,212, T>C on the plus strand (A>G on the coding strand, the complement: NCKAP1 is on the minus strand). VCF-style: chr2-182953212-T-C. GRCh37 (hg19) VCF-style: chr2-183817940-T-C.
Other names: c.2291A>G, p.Gln764Arg (NM_205842.3); short protein forms Q758R, Q764R.
Identifiers: ClinVar variation 1805666 (VCV001805666.1), dbSNP rs2468587724, ClinGen allele CA349757686.
Genomic context (GRCh38, chr2:182,953,212, plus strand): 5'-CTGTCTAAATGTTGTGTTTGTTGAAGAAGCACATTATTAAATACTCTTGTAATATCAATC[T>C]GCACATAGTTTTCTATTGACTGGAGTACGGTCATGTATGCTCTTACACTTGTTAGAAGTT-3'
Protein context (NP_038464.1, residues 748-768): TVLQSIENYV[Gln758Arg]IDITRVFNNV